The following is an entry in ClinVar:

NM_018136.5(ASPM):c.4195dup (p.Thr1399fs)

Gene: ASPM (assembly factor for spindle microtubules; minus strand). Cytogenetic location: 1q31.3.
Variant type: Duplication.
Coding change: c.4195dup on transcript NM_018136.5 (MANE Select); coding-DNA position 4195, one base duplicated (A; older notation c.4195dupA).
Protein change: p.Thr1399fs; shifts the reading frame from threonine 1399.
Molecular consequence: frameshift variant. On other transcripts: intron variant (1).
Genome position (GRCh38, 1-based): chr1:197,105,056, T duplicated on the plus strand (A on the coding strand, the reverse complement: ASPM is on the minus strand). VCF-style (leftmost placement, unchanged base first): chr1-197105055-G-GT. GRCh37 (hg19) VCF-style: chr1-197074185-G-GT.
Other names: c.4195dup (NM_018136.4); c.4066-8892dup (NM_001206846.2); short protein forms T1399fs.
Identifiers: ClinVar variation 4964 (VCV000004964.9), dbSNP rs199422163, ClinGen allele CA340333.

ClinVar aggregate classification (germline): Conflicting classifications of pathogenicity. Review status: criteria provided, conflicting classifications (1 of 4 stars). 6 submissions from 6 submitters: Pathogenic (2); Uncertain significance (1). 3 of the submissions do not count toward it. Last evaluated 2025-09-03.

Conditions:
Microcephaly 5, primary, autosomal recessive (MCPH5). Also called: ASPM Primary Microcephaly. Identifiers: Orphanet 2512, MedGen C1837501, MONDO:0012106, OMIM 608716.

Allele frequency attached by ClinVar (database versions not stated): gnomAD exomes below 0.00001.

Submissions (6):

3billion
Classification: Pathogenic for Microcephaly 5, primary, autosomal recessive. Last evaluated: 2025-09-03. Review status: criteria provided, single submitter. Criteria: ACMG Guidelines, 2015. Collection method: clinical testing. Allele origin: germline. Affected: yes.
Comment: The variant is observed at an extremely low frequency in the gnomAD v4.1.0 dataset (total allele frequency: <0.001%). Predicted Consequence/Location: Frameshift: predicted to result in a loss or disruption of normal protein function through nonsense-mediated decay (NMD) or protein truncation. Multiple pathogenic variants are reported downstream of the variant. The variant has been reported to be in trans with a pathogenic variant as either compound heterozygous or homozygous in at least one similarly affected unrelated individual (PMID: 18452193). The variant has been reported to co-segregate with the disease in at least one similarly affected relative/individual in the same family or similarly affected unrelated families (PMID: 18452193). The variant has been reported to be associated with ASPM-related disorder (ClinVar ID: VCV000004964 /PMID: 18452193). Therefore, this variant is classified as Pathogenic according to the recommendation of ACMG/AMP guideline.

New York Genome Center
Classification: Uncertain significance for Microcephaly 5, primary, autosomal recessive. Last evaluated: 2020-05-22. Review status: criteria provided, single submitter. Criteria: NYGC Assertion Criteria 2020. Collection method: clinical testing. Allele origin: maternal. Inheritance: Autosomal recessive inheritance. Observed: 1 heterozygote. Study: CSER-NYCKidSeq.

Child Neurology Department, Hôpital Universitaire de Bruxelles
Classification: Pathogenic for Microcephaly 5, primary, autosomal recessive. Review status: criteria provided, single submitter. Criteria: ACMG Guidelines, 2015. Collection method: clinical testing. Allele origin: inherited. Affected: yes.

OMIM
Classification: Pathogenic for MICROCEPHALY 5, PRIMARY, AUTOSOMAL RECESSIVE. Last evaluated: 2008-06-01. Review status: no assertion criteria provided. Collection method: literature only. Allele origin: germline. Not counted in ClinVar's aggregate classification.

GeneReviews
No classification provided. Condition: Microcephaly 5, primary, autosomal recessive. Review status: no classification provided. Collection method: literature only. Allele origin: unknown. Not counted in ClinVar's aggregate classification.

Service de Génétique Moléculaire, Hôpital Robert Debré
Classification: Pathogenic for Microcephaly 5, primary, autosomal recessive. Review status: no assertion criteria provided. Collection method: clinical testing. Allele origin: unknown. Affected: yes. Not counted in ClinVar's aggregate classification.

Literature cited by the submitters: PubMed 18452193 (cited by 3 submitters); PubMed 20301772 (cited by GeneReviews); NCBI Bookshelf NBK9587 (cited by GeneReviews).